The following is an entry in ClinVar:

NM_001372044.2(SHANK3):c.1228A>T (p.Ile410Phe)

Gene: SHANK3 (SH3 and multiple ankyrin repeat domains 3; plus strand). Cytogenetic location: 22q13.33.
Variant type: single nucleotide variant.
Coding change: c.1228A>T on transcript NM_001372044.2 (MANE Select); coding-DNA position 1228, A replaced by T.
Protein change: p.Ile410Phe; replaces isoleucine 410 with phenylalanine.
Molecular consequence: missense variant.
Genome position (GRCh38, 1-based): chr22:50,684,624, A>T. VCF-style: chr22-50684624-A-T. GRCh37 (hg19) VCF-style: chr22-51123052-A-T.
Other names: c.1003A>T (NM_033517.1); short protein forms I410F.
Identifiers: ClinVar variation 3774885 (VCV003774885.1).

ClinVar aggregate classification (germline): Uncertain significance (1 of 4 stars; one submission).

Submission:

GeneDx
Classification: Uncertain significance. Last evaluated: 2024-09-30. Review status: criteria provided, single submitter. Criteria: GeneDx Variant Classification Process June 2021. Collection method: clinical testing. Allele origin: germline. Affected: yes.
Comment: Not observed at significant frequency in large population cohorts (gnomAD); Has not been previously published as pathogenic or benign to our knowledge; In silico analysis does not support a benign or deleterious effect of this variant on protein structure/function